The following is an entry in ClinVar:

NM_182961.4(SYNE1):c.18574-13T>C

Gene: SYNE1 (spectrin repeat containing nuclear envelope protein 1; minus strand). Cytogenetic location: 6q25.2.
Variant type: single nucleotide variant.
Coding change: c.18574-13T>C on transcript NM_182961.4 (MANE Select); 13 bases into the intron before coding-DNA position 18574, T replaced by C.
Molecular consequence: intron variant.
Genome position (GRCh38, 1-based): chr6:152,269,299, A>G on the plus strand (T>C on the coding strand, the complement: SYNE1 is on the minus strand). VCF-style: chr6-152269299-A-G. GRCh37 (hg19) VCF-style: chr6-152590434-A-G.
Other names: c.18361-13T>C (NM_033071.5).
Identifiers: ClinVar variation 355849 (VCV000355849.16), dbSNP rs148664724, ClinGen allele CA4054922.

ClinVar aggregate classification (germline): Conflicting classifications of pathogenicity. Review status: criteria provided, conflicting classifications (1 of 4 stars). 5 submissions from 4 submitters: Uncertain significance (1); Benign (2); Likely benign (2). Last evaluated 2026-02-01.

Conditions:
Autosomal recessive ataxia, Beauce type. Also called: SYNE1-Related Autosomal Recessive Cerebellar Ataxia; Spinocerebellar ataxia, autosomal recessive 8; ATAXIA, RECESSIVE, OF BEAUCE; SYNE1 Deficiency. Identifiers: Orphanet 88644, MedGen C1853116, MONDO:0012549, OMIM 610743.
Emery-Dreifuss muscular dystrophy 4, autosomal dominant (EDMD4). Also called: EMERY-DREIFUSS MUSCULAR DYSTROPHY 4 WITH VARIABLE FEATURES. Identifiers: Orphanet 261, MedGen C2751807, MONDO:0013071, OMIM 612998.

Allele frequency attached by ClinVar (database versions not stated): 1000 Genomes Project 0.00080; 1000 Genomes Project 30x 0.00094; TOPMed 0.00098; ESP Exome Variant Server 0.00108; gnomAD exomes 0.00114 and 0.00132; ExAC 0.00128; gnomAD 0.00131 and 0.00134.
gnomAD v4.1: 1,847 of 1,614,026 alleles (0.11%); highest among the groups gnomAD compares: Non-Finnish European, 0.12%; 3 homozygotes.

Submissions (5):

Labcorp Genetics (formerly Invitae), Labcorp
Classification: Benign for Emery-Dreifuss muscular dystrophy 4, autosomal dominant; Autosomal recessive ataxia, Beauce type. Last evaluated: 2026-02-01. Review status: criteria provided, single submitter. Criteria: Invitae Variant Classification Sherloc (09022015). Collection method: clinical testing. Allele origin: germline.

Blueprint Genetics
Classification: Likely benign. Last evaluated: 2024-11-20. Review status: criteria provided, single submitter. Criteria: ACMG Guidelines, 2015. Collection method: clinical testing. Allele origin: germline.

GeneDx
Classification: Likely benign. Last evaluated: 2020-10-23. Review status: criteria provided, single submitter. Criteria: GeneDx Variant Classification Process June 2021. Collection method: clinical testing. Allele origin: germline. Affected: yes.

Illumina Laboratory Services, Illumina
Classification: Benign for Emery-Dreifuss muscular dystrophy 4, autosomal dominant. Last evaluated: 2018-01-12. Review status: criteria provided, single submitter. Criteria: ICSL Variant Classification Criteria 13 December 2019. Collection method: clinical testing. Allele origin: germline.
Comment: This variant was observed in the ICSL laboratory as part of a predisposition screen in an ostensibly healthy population. It had not been previously curated by ICSL or reported in the Human Gene Mutation Database (HGMD: prior to June 1st, 2018), and was therefore a candidate for classification through an automated scoring system. Utilizing variant allele frequency, disease prevalence and penetrance estimates, and inheritance mode, an automated score was calculated to assess if this variant is too frequent to cause the disease. Based on the score and internal cut-off values, a variant classified as benign is not then subjected to further curation. The score for this variant resulted in a classification of benign for this disease.

Illumina Laboratory Services, Illumina
Classification: Uncertain significance for Autosomal recessive ataxia, Beauce type. Last evaluated: 2018-01-12. Review status: criteria provided, single submitter. Criteria: ICSL Variant Classification Criteria 13 December 2019. Collection method: clinical testing. Allele origin: germline.